The following is an entry in ClinVar:

ClinVar aggregate classification (germline): Uncertain significance (1 of 4 stars; one submission).

Conditions:
Hypomyelination and Congenital Cataract (HLD5). Also called: hypomyelinating leukodystrophy 5. Identifiers: Orphanet 85163, MedGen C1864663, MONDO:0012514, OMIM 610532.

Allele frequency attached by ClinVar (database versions not stated): gnomAD 0.00001.
gnomAD v4.1: 1 of 1,612,980 alleles (0.000062%); highest among the groups gnomAD compares: Admixed American, 0.0017%; no homozygotes.

Submission:

Labcorp Genetics (formerly Invitae), Labcorp
Classification: Uncertain significance for Hypomyelination and Congenital Cataract. Last evaluated: 2025-10-13. Review status: criteria provided, single submitter. Criteria: Invitae Variant Classification Sherloc (09022015). Collection method: clinical testing. Allele origin: germline.
Comment: This sequence change replaces threonine, which is neutral and polar, with isoleucine, which is neutral and non-polar, at codon 148 of the FAM126A protein (p.Thr148Ile). This variant is not present in population databases (gnomAD no frequency). This variant has not been reported in the literature in individuals affected with FAM126A-related conditions. ClinVar contains an entry for this variant (Variation ID: 1518696). Invitae Evidence Modeling of protein sequence and biophysical properties (such as structural, functional, and spatial information, amino acid conservation, physicochemical variation, residue mobility, and thermodynamic stability) indicates that this missense variant is expected to disrupt FAM126A protein function with a positive predictive value of 80%. In summary, the available evidence is currently insufficient to determine the role of this variant in disease. Therefore, it has been classified as a Variant of Uncertain Significance.

NM_032581.4(HYCC1):c.443C>T (p.Thr148Ile)

Gene: HYCC1 (hyccin PI4KA lipid kinase complex subunit 1; minus strand). Cytogenetic location: 7p15.3.
Variant type: single nucleotide variant.
Coding change: c.443C>T on transcript NM_032581.4 (MANE Select); coding-DNA position 443, C replaced by T.
Protein change: p.Thr148Ile; replaces threonine 148 with isoleucine.
Molecular consequence: missense variant.
Genome position (GRCh38, 1-based): chr7:22,976,780, G>A on the plus strand (C>T on the coding strand, the complement: HYCC1 is on the minus strand). VCF-style: chr7-22976780-G-A. GRCh37 (hg19) VCF-style: chr7-23016399-G-A.
Other names: c.443C>T, p.Thr148Ile (NM_001363466.2, NM_001363467.2); short protein forms T148I.
Identifiers: ClinVar variation 1518696 (VCV001518696.6), dbSNP rs1784748343, ClinGen allele CA366975280.